The following is an entry in ClinVar:

ClinVar aggregate classification (germline): Uncertain significance (1 of 4 stars; one submission).

Conditions:
Charcot-Marie-Tooth disease type 2. Also called: Charcot-Marie-Tooth type 2. Identifiers: Orphanet 64746, MedGen C0270914, MONDO:0018993.

gnomAD v4.1: 4 of 1,612,590 alleles (0.00025%); highest among the groups gnomAD compares: South Asian, 0.0011%; no homozygotes.

Submission:

Labcorp Genetics (formerly Invitae), Labcorp
Classification: Uncertain significance for Charcot-Marie-Tooth disease type 2. Last evaluated: 2025-06-04. Review status: criteria provided, single submitter. Criteria: Invitae Variant Classification Sherloc (09022015). Collection method: clinical testing. Allele origin: germline.
Comment: This sequence change replaces threonine, which is neutral and polar, with isoleucine, which is neutral and non-polar, at codon 79 of the BSCL2 protein (p.Thr79Ile). This variant is present in population databases (rs767486914, gnomAD 0.003%). This variant has not been reported in the literature in individuals affected with BSCL2-related conditions. Invitae Evidence Modeling of protein sequence and biophysical properties (such as structural, functional, and spatial information, amino acid conservation, physicochemical variation, residue mobility, and thermodynamic stability) indicates that this missense variant is not expected to disrupt BSCL2 protein function with a negative predictive value of 80%. In summary, the available evidence is currently insufficient to determine the role of this variant in disease. Therefore, it has been classified as a Variant of Uncertain Significance.

NM_001122955.4(BSCL2):c.428C>T (p.Thr143Ile)

Genes: BSCL2 (BSCL2 lipid droplet biogenesis associated, seipin; minus strand), HNRNPUL2-BSCL2 (HNRNPUL2-BSCL2 readthrough (NMD candidate); minus strand). Cytogenetic location: 11q12.3.
Variant type: single nucleotide variant.
Coding change: c.428C>T on transcript NM_001122955.4 (MANE Select); coding-DNA position 428, C replaced by T.
Protein change: p.Thr143Ile; replaces threonine 143 with isoleucine.
Molecular consequence: missense variant. On other transcripts: non-coding transcript variant (1).
Genome position (GRCh38, 1-based): chr11:62,702,526, G>A on the plus strand (C>T on the coding strand, the complement: BSCL2 is on the minus strand). VCF-style: chr11-62702526-G-A. GRCh37 (hg19) VCF-style: chr11-62469998-G-A.
Other names: c.236C>T, p.Thr79Ile (NM_001130702.2, NM_032667.6); c.428C>T, p.Thr143Ile (NM_001386027.1, NM_001386028.1); short protein forms T143I, T79I.
Identifiers: ClinVar variation 4740063 (VCV004740063.1).